The following is an entry in ClinVar:

ClinVar aggregate classification (germline): Likely benign (1 of 4 stars; one submission).

gnomAD v4.1: 848 of 1,613,886 alleles (0.053%); highest among the groups gnomAD compares: Non-Finnish European, 0.054%; 2 homozygotes.

Submission:

CeGaT Center for Human Genetics Tuebingen
Classification: Likely benign. Last evaluated: 2025-02-01. Review status: criteria provided, single submitter. Criteria: CeGaT Center For Human Genetics Tuebingen Variant Classification Criteria Version 2. Collection method: clinical testing. Allele origin: germline. Affected: yes. Observed: 1 variant allele.
Comment: ANKS1B: BS2

NM_001352186.2(ANKS1B):c.50C>T (p.Ala17Val)

Gene: ANKS1B (ankyrin repeat and sterile alpha motif domain containing 1B; minus strand). Cytogenetic location: 12q23.1.
Variant type: single nucleotide variant.
Coding change: c.50C>T on transcript NM_001352186.2 (MANE Select); coding-DNA position 50, C replaced by T.
Protein change: p.Ala17Val; replaces alanine 17 with valine.
Molecular consequence: missense variant.
Genome position (GRCh38, 1-based): chr12:99,984,188, G>A on the plus strand (C>T on the coding strand, the complement: ANKS1B is on the minus strand). VCF-style: chr12-99984188-G-A. GRCh37 (hg19) VCF-style: chr12-100377966-G-A.
Other names: c.50C>T, p.Ala17Val (NM_001352185.1, NM_001352187.1, NM_001352188.1 and 1 more transcripts); short protein forms A17V.
Identifiers: ClinVar variation 3770486 (VCV003770486.13).
Genomic context (GRCh38, chr12:99,984,188, plus strand): 5'-GGTCCGGATCCACCGCCCAGGATCCCTCCTTTCCTGCCAGACAGGAGTTTCTCCACCAGA[G>A]CCACATTTCCAGTGCGAGCAGCTTCCAGCAGCTCCTGGTCCTTCCCCATAGTCTCTCACC-3'
Protein context (NP_001339115.1, residues 7-27): LLEAARTGNV[Ala17Val]LVEKLLSGRK